The following is an entry in ClinVar:

NM_000277.3(PAH):c.208T>C (p.Ser70Pro)

Gene: PAH (phenylalanine hydroxylase; minus strand). Cytogenetic location: 12q23.2.
Variant type: single nucleotide variant.
Coding change: c.208T>C on transcript NM_000277.3 (MANE Select); coding-DNA position 208, T replaced by C.
Protein change: p.Ser70Pro; replaces serine 70 with proline.
Molecular consequence: missense variant.
Genome position (GRCh38, 1-based): chr12:102,894,879, A>G on the plus strand (T>C on the coding strand, the complement: PAH is on the minus strand). VCF-style: chr12-102894879-A-G. GRCh37 (hg19) VCF-style: chr12-103288657-A-G.
Other names: NM_000277.3(PAH):c.208T>C; p.Ser70Pro; c.208T>C, p.Ser70Pro (NM_001354304.2); short protein forms S70P.
Identifiers: ClinVar variation 102631 (VCV000102631.2), dbSNP rs63048261, ClinGen allele CA229488.
Genomic context (GRCh38, chr12:102,894,879, plus strand): 5'-CAGGCAGGCTACGTTTATCCAAATGGGTGAAAAATTCATACTCATCTTTCTTTAAACGAG[A>G]AGGTCTAGATTCAATGTGGGTCAGGTTTACATCATTCTCCTAGAAGAGAGAATGGGGAGG-3'
Protein context (NP_000268.1, residues 60-80): VNLTHIESRP[Ser70Pro]RLKKDEYEFF

ClinVar aggregate classification (germline): Likely pathogenic. Review status: reviewed by expert panel (3 of 4 stars). 2 submissions from 2 submitters: Likely pathogenic (1). 1 of the submissions does not count toward it. Last evaluated 2022-03-11.

Conditions:
Phenylketonuria (PKU). Also called: Phenylketonuria (PKU); FOLLING DISEASE; OLIGOPHRENIA PHENYLPYRUVICA; Phenylketonurias. Identifiers: Orphanet 716, MedGen C0031485, MONDO:0009861, OMIM 261600. Disease mechanism: loss of function.

Submissions (2):

ClinGen PAH Variant Curation Expert Panel
Classification: Likely pathogenic for Phenylketonuria. Last evaluated: 2022-03-11. Review status: reviewed by expert panel. Criteria: ClinGen PAH ACMG Specifications v1. Collection method: curation. Allele origin: germline. Inheritance: Autosomal recessive inheritance.
Comment: The c.208T>C (p.Ser70Pro) variant in PAH has been reported in at least four individuals with hyperphenylalanemia, including at least one for whom BH4 deficiency was excluded (PMID: 9860305, PMID: 21307867). Of these, two were siblings who also had p.Arg241His (PMID: 22330942), which is classified as pathogenic by PAH VCEP (Variation ID: 102804), without documentation of parental testing to establish phase. In-vitro studies show 20% enzyme activity (PMID: 9860305). This variant is absent from population databases. Multiple lines of computational evidence support a deleterious effect. In summary, this variant meets criteria to be classified as likely pathogenic for PAH. PAH-specific ACMG/AMP criteria applied: PP3, PP4, PM2, PM3_Supporting, PS3_supporting.

DeBelle Laboratory for Biochemical Genetics, MUHC/MCH RESEARCH INSTITUTE
No classification provided. Review status: no classification provided. Collection method: not provided. Allele origin: not provided. Not counted in ClinVar's aggregate classification.